The following is an entry in ClinVar:

ClinVar aggregate classification (germline): Pathogenic (1 of 4 stars; one submission).

Allele frequency attached by ClinVar (database versions not stated): ExAC 0.00001.

Submission:

Labcorp Genetics (formerly Invitae), Labcorp
Classification: Pathogenic. Last evaluated: 2025-06-18. Review status: criteria provided, single submitter. Criteria: Invitae Variant Classification Sherloc (09022015). Collection method: clinical testing. Allele origin: germline.
Comment: This sequence change creates a premature translational stop signal (p.Arg747*) in the VLDLR gene. It is expected to result in an absent or disrupted protein product. Loss-of-function variants in VLDLR are known to be pathogenic (PMID: 18043714, 18326629, 22532556). This variant is present in population databases (rs760259531, gnomAD 0.002%). This variant has not been reported in the literature in individuals affected with VLDLR-related conditions. ClinVar contains an entry for this variant (Variation ID: 2826269). For these reasons, this variant has been classified as Pathogenic.

Literature cited by the submitters: PubMed 18043714; PubMed 18326629; PubMed 22532556.

NM_003383.5(VLDLR):c.2239C>T (p.Arg747Ter)

Gene: VLDLR (very low density lipoprotein receptor; plus strand). Cytogenetic location: 9p24.2.
Variant type: single nucleotide variant.
Coding change: c.2239C>T on transcript NM_003383.5 (MANE Select); coding-DNA position 2239, C replaced by T.
Protein change: p.Arg747Ter; replaces arginine 747 with a stop codon.
Molecular consequence: nonsense.
Genome position (GRCh38, 1-based): chr9:2,650,504, C>T. VCF-style: chr9-2650504-C-T. GRCh37 (hg19) VCF-style: chr9-2650504-C-T.
Other names: c.2239C>T, p.Arg747Ter (NM_001018056.3); c.2116C>T, p.Arg706Ter (NM_001322225.2, NM_001322226.2); short protein forms R706*, R747*.
Identifiers: ClinVar variation 2826269 (VCV002826269.3), dbSNP rs760259531, ClinGen allele CA4965105.
Genomic context (GRCh38, chr9:2,650,504, plus strand): 5'-GATCACTCTCCAAAATATACCTGTTCCTGTCCCAGTGGGTACAATGTAGAGGAAAATGGC[C>T]GAGACTGTCAAAGTAAGGCATTTTGTGTTTCAACCACAAGTAGAACCTACAACAAGCAAT-3'